The following is an entry in ClinVar:

NM_000535.7(PMS2):c.332T>C (p.Leu111Pro)

Gene: PMS2 (PMS1 homolog 2, mismatch repair system component; minus strand). Cytogenetic location: 7p22.1.
Variant type: single nucleotide variant.
Coding change: c.332T>C on transcript NM_000535.7 (MANE Select); coding-DNA position 332, T replaced by C.
Protein change: p.Leu111Pro; replaces leucine 111 with proline.
Molecular consequence: missense variant. On other transcripts: 5 prime UTR variant (9), non-coding transcript variant (1), intron variant (2).
Genome position (GRCh38, 1-based): chr7:6,003,711, A>G on the plus strand (T>C on the coding strand, the complement: PMS2 is on the minus strand). VCF-style: chr7-6003711-A-G. GRCh37 (hg19) VCF-style: chr7-6043342-A-G.
Other names: c.-74T>C (NM_001322003.2, NM_001322004.2, NM_001322005.2 and 3 more transcripts); c.332T>C, p.Leu111Pro (NM_001322006.2, NM_001322014.2); c.-553T>C (NM_001322011.2, NM_001322012.2); c.-153T>C (NM_001322015.2); c.35+261T>C (NM_001322008.2, NM_001322007.2); short protein forms L111P.
Identifiers: ClinVar variation 480345 (VCV000480345.7), dbSNP rs1554304623, ClinGen allele CA366744567.

ClinVar aggregate classification (germline): Uncertain significance. Review status: criteria provided, multiple submitters, no conflicts (2 of 4 stars). 2 submissions from 2 submitters: Uncertain significance (2). Last evaluated 2022-04-25.

Conditions:
Hereditary cancer-predisposing syndrome. Also called: Hereditary Cancer Syndrome; Neoplastic Syndromes, Hereditary; Tumor predisposition; Hereditary neoplastic syndrome. Identifiers: Orphanet 140162, MedGen C0027672, MeSH D009386, MONDO:0015356.
Lynch syndrome 4 (LYNCH4). Also called: Colorectal cancer, hereditary nonpolyposis, type 4; Hereditary non-polyposis colorectal cancer, type 4. Identifiers: Orphanet 144, MedGen C1838333, MONDO:0013699, OMIM 614337. Disease mechanism: loss of function.

Submissions (2):

MGZ Medical Genetics Center
Classification: Uncertain significance for Lynch syndrome 4. Last evaluated: 2022-04-25. Review status: criteria provided, single submitter. Criteria: ACMG Guidelines, 2015. Collection method: clinical testing. Allele origin: germline. Affected: yes. Observed: 1 variant allele.
Comment: ACMG criteria applied: PM2_SUP, PP3

Ambry Genetics
Classification: Uncertain significance for Hereditary cancer-predisposing syndrome. Last evaluated: 2020-04-06. Review status: criteria provided, single submitter. Criteria: Ambry Variant Classification Scheme 2023. Collection method: clinical testing. Allele origin: germline.
Comment: The p.L111P variant (also known as c.332T>C), located in coding exon 4 of the PMS2 gene, results from a T to C substitution at nucleotide position 332. The leucine at codon 111 is replaced by proline, an amino acid with similar properties. This amino acid position is highly conserved in available vertebrate species. In addition, this alteration is predicted to be deleterious by in silico analysis. Since supporting evidence is limited at this time, the clinical significance of this alteration remains unclear.